The following is an entry in ClinVar:

NM_014423.4(AFF4):c.1968T>C (p.Ser656=)

Gene: AFF4 (ALF transcription elongation factor 4; minus strand). Cytogenetic location: 5q31.1.
Variant type: single nucleotide variant.
Coding change: c.1968T>C on transcript NM_014423.4 (MANE Select); coding-DNA position 1968, T replaced by C.
Protein change: p.Ser656=; no amino-acid change (serine 656 retained).
Molecular consequence: synonymous variant.
Genome position (GRCh38, 1-based): chr5:132,896,662, A>G on the plus strand (T>C on the coding strand, the complement: AFF4 is on the minus strand). VCF-style: chr5-132896662-A-G. GRCh37 (hg19) VCF-style: chr5-132232354-A-G.
Identifiers: ClinVar variation 791092 (VCV000791092.12), dbSNP rs192660791, ClinGen allele CA3409022.
Genomic context (GRCh38, chr5:132,896,662, plus strand): 5'-AACAGGAGTCCTATTGCTCTCGGGGTACTTAGGAGTTTGTGAGGAAGGAGGAAGGCTCTC[A>G]CTTTCATCTGAATCTGAGGATGAGGTATCTGTTTCTATGATTTCCCTTGATTTCTGGGAA-3'
Protein context (NP_055238.1, residues 646-666): TDTSSSDSDE[Ser656=]ESLPPSSQTP

ClinVar aggregate classification (germline): Benign/Likely benign. Review status: criteria provided, multiple submitters, no conflicts (2 of 4 stars). 3 submissions from 3 submitters: Benign (1); Likely benign (1). 1 of the submissions does not count toward it. Last evaluated 2026-07-01.

Conditions:
AFF4-related disorder. Also called: AFF4-related condition.
Cognitive impairment - coarse facies - heart defects - obesity - pulmonary involvement - short stature - skeletal dysplasia syndrome. Also called: COGNITIVE IMPAIRMENT, COARSE FACIES, HEART DEFECTS, OBESITY, PULMONARY INVOLVEMENT, SHORT STATURE, AND SKELETAL DYSPLASIA; Chops syndrome; AFF4-Related CHOPS Syndrome. Identifiers: Orphanet 444077, MedGen C4085597, MONDO:0014609, OMIM 616368.

Allele frequency attached by ClinVar (database versions not stated): gnomAD 0.00001; gnomAD exomes 0.00008 and 0.00018; TOPMed 0.00009; ExAC 0.00014; 1000 Genomes Project 30x 0.00016; 1000 Genomes Project 0.00020.
gnomAD v4.1: 48 of 1,614,034 alleles (0.003%); highest among the groups gnomAD compares: Admixed American, 0.08%; no homozygotes.

Submissions (3):

CeGaT Center for Human Genetics Tuebingen
Classification: Likely benign. Last evaluated: 2026-07-01. Review status: criteria provided, single submitter. Criteria: CeGaT Center For Human Genetics Tuebingen Variant Classification Criteria Version 2. Collection method: clinical testing. Allele origin: germline. Affected: yes. Observed: 1 variant allele.
Comment: AFF4: BP4, BP7

Labcorp Genetics (formerly Invitae), Labcorp
Classification: Benign for Cognitive impairment - coarse facies - heart defects - obesity - pulmonary involvement - short stature - skeletal dysplasia syndrome. Last evaluated: 2025-12-03. Review status: criteria provided, single submitter. Criteria: Invitae Variant Classification Sherloc (09022015). Collection method: clinical testing. Allele origin: germline.

PreventionGenetics, part of Exact Sciences
Classification: Likely benign for AFF4-related condition. Last evaluated: 2021-10-21. Review status: no assertion criteria provided. Collection method: clinical testing. Allele origin: germline. Not counted in ClinVar's aggregate classification.
Comment: This variant is classified as likely benign based on ACMG/AMP sequence variant interpretation guidelines (Richards et al. 2015 PMID: 25741868, with internal and published modifications).